The following is an entry in ClinVar:

NM_001126108.2(SLC12A3):c.1015A>C (p.Thr339Pro)

Gene: SLC12A3 (solute carrier family 12 member 3; plus strand). Cytogenetic location: 16q13.
Variant type: single nucleotide variant.
Coding change: c.1015A>C on transcript NM_001126108.2 (MANE Select); coding-DNA position 1015, A replaced by C.
Protein change: p.Thr339Pro; replaces threonine 339 with proline.
Molecular consequence: missense variant.
Genome position (GRCh38, 1-based): chr16:56,872,706, A>C. VCF-style: chr16-56872706-A-C. GRCh37 (hg19) VCF-style: chr16-56906618-A-C.
Other names: c.1015A>C, p.Thr339Pro (NM_000339.3); c.1012A>C, p.Thr338Pro (NM_001126107.2, NM_001410896.1); short protein forms T338P, T339P.
Identifiers: ClinVar variation 3256613 (VCV003256613.2).
Genomic context (GRCh38, chr16:56,872,706, plus strand): 5'-GCTTTTCCAGCGGACATTTTTGTCCAGAACTTGGTGCCTGACTGGCGGGGTCCAGATGGC[A>C]CCTTCTTCGGAATGTTCTCCATCTTCTTCCCCTCGGCCACAGGCATCCTGGCAGGGGCCA-3'
Protein context (NP_001119580.2, residues 329-349): LVPDWRGPDG[Thr339Pro]FFGMFSIFFP

ClinVar aggregate classification (germline): Conflicting classifications of pathogenicity. Review status: criteria provided, conflicting classifications (1 of 4 stars). 2 submissions from 2 submitters: Likely pathogenic (1); Uncertain significance (1). Last evaluated 2025-06-26.

Conditions:
Familial hypokalemia-hypomagnesemia (GTLMNS). Also called: HYPOMAGNESEMIA-HYPOKALEMIA, PRIMARY RENOTUBULAR, WITH HYPOCALCIURIA; POTASSIUM AND MAGNESIUM DEPLETION; gitelman syndrome. Identifiers: Orphanet 358, MedGen C0268450, MONDO:0009904, OMIM 263800.

gnomAD v4.1: 1 of 1,614,172 alleles (0.000062%); highest among the groups gnomAD compares: Non-Finnish European, 0.000085%; no homozygotes.

Submissions (2):

MVZ Martinsried, Medicover Genetics
Classification: Likely pathogenic for Familial hypokalemia-hypomagnesemia. Last evaluated: 2025-06-26. Review status: criteria provided, single submitter. Criteria: ACGS Guidelines, 2020. Collection method: clinical testing. Allele origin: unknown. Observed: 1 heterozygote.

MVZ Medizinische Genetik Mainz
Classification: Uncertain significance for Familial hypokalemia-hypomagnesemia. Last evaluated: 2024-06-18. Review status: criteria provided, single submitter. Criteria: UK Practice Guidelines For Variant Classification V4 01 2020. Collection method: clinical testing. Allele origin: germline. Inheritance: Autosomal recessive inheritance. Affected: yes. Observed: 1 variant allele.
Comment: ACMG Criteria: PM3,PM5,PM2_SUP,PP4,BP4